The following is an entry in ClinVar:

ClinVar aggregate classification (germline): Uncertain significance. Review status: criteria provided, multiple submitters, no conflicts (2 of 4 stars). 3 submissions from 3 submitters: Uncertain significance (3). Last evaluated 2025-12-26.

Conditions:
Inborn genetic diseases. Identifiers: MedGen C0950123, MeSH D030342.
Autosomal dominant nonsyndromic hearing loss 1. Also called: KONIGSMARK SYNDROME; DEAFNESS, AUTOSOMAL DOMINANT 1, WITH OR WITHOUT THROMBOCYTOPENIA. Identifiers: Orphanet 90635, MedGen C1852282, MONDO:0007424, OMIM 124900.
Progressive microcephaly-seizures-cortical blindness-developmental delay syndrome. Also called: Seizures, cortical blindness, and microcephaly syndrome. Identifiers: Orphanet 477814, MedGen C5567650, MONDO:0014714, OMIM 616632.

Allele frequency attached by ClinVar (database versions not stated): gnomAD exomes below 0.00001; ESP Exome Variant Server 0.00008.
gnomAD v4.1: 23 of 1,605,456 alleles (0.0014%); highest among the groups gnomAD compares: African/African-American, 0.0027%; no homozygotes.

Submissions (3):

Labcorp Genetics (formerly Invitae), Labcorp
Classification: Uncertain significance for Progressive microcephaly-seizures-cortical blindness-developmental delay syndrome; Autosomal dominant nonsyndromic hearing loss 1. Last evaluated: 2025-12-26. Review status: criteria provided, single submitter. Criteria: Invitae Variant Classification Sherloc (09022015). Collection method: clinical testing. Allele origin: germline.
Comment: This sequence change replaces proline, which is neutral and non-polar, with histidine, which is basic and polar, at codon 721 of the DIAPH1 protein (p.Pro721His). The frequency data for this variant in the population databases is considered unreliable, as metrics indicate poor data quality at this position in the gnomAD database. This variant has not been reported in the literature in individuals affected with DIAPH1-related conditions. ClinVar contains an entry for this variant (Variation ID: 351289). Experimental studies and prediction algorithms are not available or were not evaluated, and the functional significance of this variant is currently unknown. In summary, the available evidence is currently insufficient to determine the role of this variant in disease. Therefore, it has been classified as a Variant of Uncertain Significance.

Ambry Genetics
Classification: Uncertain significance for Inborn genetic diseases. Last evaluated: 2023-08-02. Review status: criteria provided, single submitter. Criteria: Ambry Variant Classification Scheme 2023. Collection method: clinical testing. Allele origin: germline.

Illumina Laboratory Services, Illumina
Classification: Uncertain significance for Autosomal dominant nonsyndromic hearing loss 1. Last evaluated: 2018-01-12. Review status: criteria provided, single submitter. Criteria: ICSL Variant Classification Criteria 13 December 2019. Collection method: clinical testing. Allele origin: germline.

NM_005219.5(DIAPH1):c.2162C>A (p.Pro721His)

Gene: DIAPH1 (diaphanous related formin 1; minus strand). Cytogenetic location: 5q31.3.
Variant type: single nucleotide variant.
Coding change: c.2162C>A on transcript NM_005219.5 (MANE Select); coding-DNA position 2162, C replaced by A.
Protein change: p.Pro721His; replaces proline 721 with histidine.
Molecular consequence: missense variant.
Genome position (GRCh38, 1-based): chr5:141,573,688, G>T on the plus strand (C>A on the coding strand, the complement: DIAPH1 is on the minus strand). VCF-style: chr5-141573688-G-T. GRCh37 (hg19) VCF-style: chr5-140953255-G-T.
Other names: c.2135C>A, p.Pro712His (NM_001079812.3); c.2162C>A, p.Pro721His (NM_001314007.2); short protein forms P721H, P712H.
Identifiers: ClinVar variation 351289 (VCV000351289.15), dbSNP rs373520931, ClinGen allele CA10623018.